The following is an entry in ClinVar:

ClinVar aggregate classification (germline): Uncertain significance. Review status: criteria provided, multiple submitters, no conflicts (2 of 4 stars). 4 submissions from 4 submitters: Uncertain significance (3). 1 of the submissions does not count toward it. Last evaluated 2022-04-30.

Conditions:
Inborn genetic diseases. Identifiers: MedGen C0950123, MeSH D030342.
Lysinuric protein intolerance (LPI). Identifiers: Orphanet 470, MedGen C0268647, MONDO:0009109, OMIM 222700.

Allele frequency attached by ClinVar (database versions not stated): gnomAD exomes 0.00001 and 0.00002; gnomAD 0.00002; TOPMed 0.00002.
gnomAD v4.1: 33 of 1,613,998 alleles (0.002%); highest among the groups gnomAD compares: Non-Finnish European, 0.0025%; no homozygotes.

Submissions (4):

Fulgent Genetics
Classification: Uncertain significance for Lysinuric protein intolerance. Last evaluated: 2022-04-30. Review status: criteria provided, single submitter. Criteria: ACMG Guidelines, 2015. Collection method: clinical testing. Allele origin: unknown.

Ambry Genetics
Classification: Uncertain significance for Inborn genetic diseases. Last evaluated: 2021-12-02. Review status: criteria provided, single submitter. Criteria: Ambry Variant Classification Scheme 2023. Collection method: clinical testing. Allele origin: germline.

Labcorp Genetics (formerly Invitae), Labcorp
Classification: Uncertain significance for Lysinuric protein intolerance. Last evaluated: 2021-08-28. Review status: criteria provided, single submitter. Criteria: Invitae Variant Classification Sherloc (09022015). Collection method: clinical testing. Allele origin: germline.
Comment: This sequence change replaces alanine with threonine at codon 197 of the SLC7A7 protein (p.Ala197Thr). The alanine residue is moderately conserved and there is a small physicochemical difference between alanine and threonine. This variant is not present in population databases (ExAC no frequency). This variant has not been reported in the literature in individuals affected with SLC7A7-related conditions. Algorithms developed to predict the effect of missense changes on protein structure and function (SIFT, PolyPhen-2, Align-GVGD) all suggest that this variant is likely to be tolerated. In summary, the available evidence is currently insufficient to determine the role of this variant in disease. Therefore, it has been classified as a Variant of Uncertain Significance.

Natera, Inc.
Classification: Uncertain significance for Lysinuric protein intolerance. Last evaluated: 2020-05-14. Review status: no assertion criteria provided. Collection method: clinical testing. Allele origin: germline. Not counted in ClinVar's aggregate classification.

NM_003982.4(SLC7A7):c.589G>A (p.Ala197Thr)

Gene: SLC7A7 (solute carrier family 7 member 7; minus strand). Cytogenetic location: 14q11.2.
Variant type: single nucleotide variant.
Coding change: c.589G>A on transcript NM_003982.4 (MANE Select); coding-DNA position 589, G replaced by A.
Protein change: p.Ala197Thr; replaces alanine 197 with threonine.
Molecular consequence: missense variant.
Genome position (GRCh38, 1-based): chr14:22,779,962, C>T on the plus strand (G>A on the coding strand, the complement: SLC7A7 is on the minus strand). VCF-style: chr14-22779962-C-T. GRCh37 (hg19) VCF-style: chr14-23249171-C-T.
Other names: c.589G>A, p.Ala197Thr (NM_001126105.3, NM_001126106.4); c.589G>A (NM_001126106.2); short protein forms A197T.
Identifiers: ClinVar variation 1059139 (VCV001059139.9), dbSNP rs1005993109, ClinGen allele CA257728785.
Genomic context (GRCh38, chr14:22,779,962, plus strand): 5'-GTTGCTACTAATATTATTTCTTACCCTGGCCAAGTCTAACAATGCCTGCAACGATGACCG[C>T]GATCAGTGCCAATACTTTAGCATAGGTGAAAATATCTTGTACCAGGGTTCCCCATTTGAC-3'
Protein context (NP_003973.3, residues 187-207): FTYAKVLALI[Ala197Thr]VIVAGIVRLG